The following is an entry in ClinVar:

ClinVar aggregate classification (germline): Uncertain significance (1 of 4 stars; one submission).

Submission:

Labcorp Genetics (formerly Invitae), Labcorp
Classification: Uncertain significance. Last evaluated: 2024-06-10. Review status: criteria provided, single submitter. Criteria: Invitae Variant Classification Sherloc (09022015). Collection method: clinical testing. Allele origin: germline.
Comment: This sequence change replaces valine, which is neutral and non-polar, with leucine, which is neutral and non-polar, at codon 808 of the KCNH1 protein (p.Val808Leu). This variant is present in population databases (rs762505985, gnomAD 0.01%). This variant has not been reported in the literature in individuals affected with KCNH1-related conditions. Advanced modeling of protein sequence and biophysical properties (such as structural, functional, and spatial information, amino acid conservation, physicochemical variation, residue mobility, and thermodynamic stability) performed at Invitae indicates that this missense variant is not expected to disrupt KCNH1 protein function with a negative predictive value of 95%. In summary, the available evidence is currently insufficient to determine the role of this variant in disease. Therefore, it has been classified as a Variant of Uncertain Significance.

NM_172362.3(KCNH1):c.2422G>T (p.Val808Leu)

Gene: KCNH1 (potassium voltage-gated channel subfamily H member 1; minus strand). Cytogenetic location: 1q32.2.
Variant type: single nucleotide variant.
Coding change: c.2422G>T on transcript NM_172362.3 (MANE Select); coding-DNA position 2422, G replaced by T.
Protein change: p.Val808Leu; replaces valine 808 with leucine.
Molecular consequence: missense variant.
Genome position (GRCh38, 1-based): chr1:210,683,829, C>A on the plus strand (G>T on the coding strand, the complement: KCNH1 is on the minus strand). VCF-style: chr1-210683829-C-A. GRCh37 (hg19) VCF-style: chr1-210857171-C-A.
Other names: c.2341G>T, p.Val781Leu (NM_002238.4); short protein forms V781L, V808L.
Identifiers: ClinVar variation 3612741 (VCV003612741.2).